The following is an entry in ClinVar:

NM_020922.5(WNK3):c.1999G>A (p.Val667Ile)

Gene: WNK3 (WNK lysine deficient protein kinase 3; minus strand). Cytogenetic location: Xp11.22.
Variant type: single nucleotide variant.
Coding change: c.1999G>A on transcript NM_020922.5 (MANE Select); coding-DNA position 1999, G replaced by A.
Protein change: p.Val667Ile; replaces valine 667 with isoleucine.
Molecular consequence: missense variant.
Genome position (GRCh38, 1-based): chrX:54,292,926, C>T on the plus strand (G>A on the coding strand, the complement: WNK3 is on the minus strand). VCF-style: chrX-54292926-C-T. GRCh37 (hg19) VCF-style: chrX-54319359-C-T.
Other names: c.1999G>A, p.Val667Ile (NM_001002838.4, NM_001395166.1); short protein forms V667I.
Identifiers: ClinVar variation 2660660 (VCV002660660.24), dbSNP rs199655322, ClinGen allele CA413341337.

ClinVar aggregate classification (germline): Uncertain significance. Review status: criteria provided, multiple submitters, no conflicts (2 of 4 stars). 2 submissions from 2 submitters: Uncertain significance (2). Last evaluated 2025-04-20.

Allele frequency attached by ClinVar (database versions not stated): gnomAD exomes 0.00004; TOPMed 0.00004.
gnomAD v4.1: 46 of 1,208,470 alleles (0.0038%); highest among the groups gnomAD compares: Non-Finnish European, 0.0051%; no homozygotes.

Submissions (2):

Ambry Genetics
Classification: Uncertain significance. Last evaluated: 2025-04-20. Review status: criteria provided, single submitter. Criteria: Ambry Variant Classification Scheme 2023. Collection method: clinical testing. Allele origin: germline.

CeGaT Center for Human Genetics Tuebingen
Classification: Uncertain significance. Last evaluated: 2023-08-01. Review status: criteria provided, single submitter. Criteria: CeGaT Center For Human Genetics Tuebingen Variant Classification Criteria Version 2. Collection method: clinical testing. Allele origin: germline. Affected: yes. Observed: 1 variant allele.
Comment: WNK3: PM2, BP4